The following is an entry in ClinVar:

ClinVar aggregate classification (germline): Conflicting classifications of pathogenicity. Review status: criteria provided, conflicting classifications (1 of 4 stars). 5 submissions from 5 submitters: Uncertain significance (1); Benign (1); Likely benign (3). Last evaluated 2025-09-24.

Conditions:
Melnick-Needles syndrome (MNS). Also called: Melnick-Needles Syndrome (FLNA-MNS); MELNICK-NEEDLES OSTEODYSPLASTY; OSTEODYSPLASTY OF MELNICK AND NEEDLES. Identifiers: Orphanet 2484, MedGen C0025237, MONDO:0010650, OMIM 309350.
Frontometaphyseal dysplasia (FMD1). Identifiers: Orphanet 1826, MedGen C0265293, MONDO:0015942.
Heterotopia, periventricular, X-linked dominant (PVNH1). Also called: PERIVENTRICULAR NODULAR HETEROTOPIA 4; HETEROTOPIA, PERIVENTRICULAR, 1; PERIVENTRICULAR NODULAR HETEROTOPIA 1; X-linked periventricular heterotopia. Identifiers: Orphanet 2149, Orphanet 82004, MedGen C1848213, MONDO:0010233, OMIM 300049.
Oto-palato-digital syndrome, type II (OPD2). Also called: Otopalatodigital Syndrome Type 2 (FLNA-OPD2); FACIOPALATOOSSEOUS SYNDROME; OPD II SYNDROME; Otopalatodigital Syndrome, Type II. Identifiers: Orphanet 669, Orphanet 90652, MedGen C1844696, MONDO:0010571, OMIM 304120.
FLNA-related disorder.

Allele frequency attached by ClinVar (database versions not stated): gnomAD exomes 0.00008 and 0.00014; ExAC 0.00010; gnomAD 0.00010 and 0.00011; TOPMed 0.00013; ESP Exome Variant Server 0.00020.
gnomAD v4.1: 169 of 1,210,475 alleles (0.014%); highest among the groups gnomAD compares: Non-Finnish European, 0.017%; no homozygotes.

Submissions (5):

Labcorp Genetics (formerly Invitae), Labcorp
Classification: Benign for Oto-palato-digital syndrome, type II; Heterotopia, periventricular, X-linked dominant; Frontometaphyseal dysplasia; Melnick-Needles syndrome. Last evaluated: 2025-09-24. Review status: criteria provided, single submitter. Criteria: Invitae Variant Classification Sherloc (09022015). Collection method: clinical testing. Allele origin: germline.

PreventionGenetics, part of Exact Sciences
Classification: Likely benign for FLNA-related condition. Last evaluated: 2025-06-26. Review status: criteria provided, single submitter. Criteria: ACMG Guidelines, 2015. Collection method: clinical testing. Allele origin: germline.
Comment: This variant is classified as likely benign based on ACMG/AMP sequence variant interpretation guidelines (Richards et al. 2015 PMID: 25741868, with internal and published modifications).

Blueprint Genetics
Classification: Likely benign. Last evaluated: 2024-09-07. Review status: criteria provided, single submitter. Criteria: ACMG Guidelines, 2015. Collection method: clinical testing. Allele origin: germline.

GeneDx
Classification: Likely benign. Last evaluated: 2021-04-28. Review status: criteria provided, single submitter. Criteria: GeneDx Variant Classification Process June 2021. Collection method: clinical testing. Allele origin: germline. Affected: yes.

Eurofins Ntd Llc (ga)
Classification: Uncertain significance. Last evaluated: 2016-08-26. Review status: criteria provided, single submitter. Criteria: EGL Classification Definitions 2015. Collection method: clinical testing. Allele origin: germline. Observed: 2 variant alleles, 1 heterozygote, 1 hemizygote.

NM_001110556.2(FLNA):c.6227-7C>T

Gene: FLNA (filamin A; minus strand). Cytogenetic location: Xq28.
Variant type: single nucleotide variant.
Coding change: c.6227-7C>T on transcript NM_001110556.2 (MANE Select); 7 bases into the intron before coding-DNA position 6227, C replaced by T.
Molecular consequence: intron variant.
Genome position (GRCh38, 1-based): chrX:154,352,931, G>A on the plus strand (C>T on the coding strand, the complement: FLNA is on the minus strand). VCF-style: chrX-154352931-G-A. GRCh37 (hg19) VCF-style: chrX-153581299-G-A.
Other names: c.6227-7C>T (NM_001110556.1); c.6203-7C>T (NM_001456.4).
Identifiers: ClinVar variation 93768 (VCV000093768.18), dbSNP rs370491691, ClinGen allele CA221726.